The following is an entry in ClinVar:

ClinVar aggregate classification (germline): Pathogenic (1 of 4 stars; one submission).

Conditions:
Hereditary cancer-predisposing syndrome. Also called: Tumor predisposition; Hereditary neoplastic syndrome; Hereditary Cancer Syndrome; Neoplastic Syndromes, Hereditary. Identifiers: Orphanet 140162, MedGen C0027672, MeSH D009386, MONDO:0015356.

Submission:

Ambry Genetics
Classification: Pathogenic for Hereditary cancer-predisposing syndrome. Last evaluated: 2024-01-17. Review status: criteria provided, single submitter. Criteria: Ambry Variant Classification Scheme 2023. Collection method: clinical testing. Allele origin: germline.
Comment: The c.1111delC pathogenic mutation, located in coding exon 9 of the SDHA gene, results from a deletion of one nucleotide at nucleotide position 1111, causing a translational frameshift with a predicted alternate stop codon (p.L371Yfs*18). This variant is considered to be rare based on population cohorts in the Genome Aggregation Database (gnomAD). This alteration is expected to result in loss of function by premature protein truncation or nonsense-mediated mRNA decay. As such, this alteration is interpreted as a disease-causing mutation.

NM_004168.4(SDHA):c.1111del (p.Leu371fs)

Gene: SDHA (succinate dehydrogenase complex flavoprotein subunit A; plus strand). Cytogenetic location: 5p15.33.
Variant type: Deletion.
Coding change: c.1111del on transcript NM_004168.4 (MANE Select); coding-DNA position 1111, one base deleted (C; older notation c.1111delC).
Protein change: p.Leu371fs; shifts the reading frame from leucine 371.
Molecular consequence: frameshift variant.
Genome position (GRCh38, 1-based): chr5:235,190, C deleted; the last of 2 consecutive C bases (chr5:235,189-235,190); deleting either gives the same sequence. VCF-style (leftmost placement, unchanged base first): chr5-235188-AC-A. GRCh37 (hg19) VCF-style: chr5-235303-AC-A.
Other names: c.967del, p.Leu323fs (NM_001294332.2); c.1111del, p.Leu371fs (NM_001330758.2); short protein forms L323fs, L371fs.
Identifiers: ClinVar variation 3223710 (VCV003223710.1), dbSNP rs2477362782, ClinGen allele CA2825001403.